The following is an entry in ClinVar:

NM_024876.4(COQ8B):c.799+269G>A

Gene: COQ8B (coenzyme Q8B; minus strand). Cytogenetic location: 19q13.2.
Variant type: single nucleotide variant.
Coding change: c.799+269G>A on transcript NM_024876.4 (MANE Select); 269 bases into the intron after coding-DNA position 799, G replaced by A.
Molecular consequence: intron variant.
Genome position (GRCh38, 1-based): chr19:40,703,272, C>T on the plus strand (G>A on the coding strand, the complement: COQ8B is on the minus strand). VCF-style: chr19-40703272-C-T. GRCh37 (hg19) VCF-style: chr19-41209177-C-T.
Other names: c.676+269G>A (NM_001142555.3).
Identifiers: ClinVar variation 671728 (VCV000671728.2), dbSNP rs2288450, ClinGen allele CA14676412.
Genomic context (GRCh38, chr19:40,703,272, plus strand): 5'-TCCTCACGTGCCATCCCCAGGACTGTCCTTTTCTGCTCTGCCGCACCTACAATCCCGCTC[C>T]CTGCATGCACACCCTCTGAGAGTCTGCTGCTGTATCTTGGCCCTGGGCTCCCGTCTCTCT-3'

ClinVar aggregate classification (germline): Benign. Review status: criteria provided, multiple submitters, no conflicts (2 of 4 stars). 2 submissions from 2 submitters: Benign (2). Last evaluated 2018-06-19.

Allele frequency attached by ClinVar (database versions not stated): 1000 Genomes Project 30x 0.08229; 1000 Genomes Project 0.08686; TOPMed 0.09760; gnomAD 0.10086 and 0.10268; gnomAD exomes 0.12042.
gnomAD v4.1: 51,195 of 449,214 alleles (11%); highest among the groups gnomAD compares: Admixed American, 15%; 3,363 homozygotes.

Submissions (2):

GeneDx
Classification: Benign. Last evaluated: 2018-06-19. Review status: criteria provided, single submitter. Criteria: GeneDx Variant Classification (06012015). Collection method: clinical testing. Allele origin: germline. Affected: yes.
Comment: This variant is considered likely benign or benign based on one or more of the following criteria: it is a conservative change, it occurs at a poorly conserved position in the protein, it is predicted to be benign by multiple in silico algorithms, and/or has population frequency not consistent with disease.

Breakthrough Genomics
Classification: Benign. Review status: criteria provided, single submitter. Criteria: ACMG Guidelines, 2015. Collection method: not provided. Allele origin: germline. Inheritance: Autosomal recessive inheritance. Affected: yes.